The following is an entry in ClinVar:

ClinVar aggregate classification (germline): Benign (1 of 4 stars; one submission).

Conditions:
Hypohidrotic ectodermal dysplasia (HED). Identifiers: Orphanet 238468, MedGen C5848103, MONDO:0016535, HP:0007607.

Allele frequency attached by ClinVar (database versions not stated): gnomAD 0.00015 and 0.00016; 1000 Genomes Project 30x 0.00047; TOPMed 0.00017; 1000 Genomes Project 0.00080.
gnomAD v4.1: 367 of 1,572,744 alleles (0.023%); highest among the groups gnomAD compares: Non-Finnish European, 0.029%; no homozygotes.

Submission:

Illumina Laboratory Services, Illumina
Classification: Benign for Hypohidrotic ectodermal dysplasia. Last evaluated: 2018-03-06. Review status: criteria provided, single submitter. Criteria: ICSL Variant Classification Criteria 13 December 2019. Collection method: clinical testing. Allele origin: germline.
Comment: This variant was observed in the ICSL laboratory as part of a predisposition screen in an ostensibly healthy population. It had not been previously curated by ICSL or reported in the Human Gene Mutation Database (HGMD: prior to June 1st, 2018), and was therefore a candidate for classification through an automated scoring system. Utilizing variant allele frequency, disease prevalence and penetrance estimates, and inheritance mode, an automated score was calculated to assess if this variant is too frequent to cause the disease. Based on the score and internal cut-off values, a variant classified as benign is not then subjected to further curation. The score for this variant resulted in a classification of benign for this disease.

NM_145861.4(EDARADD):c.*1722C>T

Gene: EDARADD (EDAR associated via death domain; plus strand). Cytogenetic location: 1q43.
Variant type: single nucleotide variant.
Coding change: c.*1722C>T on transcript NM_145861.4 (MANE Select); 1722 bases downstream of the stop codon, C replaced by T.
Molecular consequence: 3 prime UTR variant.
Genome position (GRCh38, 1-based): chr1:236,484,371, C>T. VCF-style: chr1-236484371-C-T. GRCh37 (hg19) VCF-style: chr1-236647671-C-T.
Other names: c.*1722C>T (NM_001422628.1, NM_080738.5).
Identifiers: ClinVar variation 874272 (VCV000874272.4), dbSNP rs559506851, ClinGen allele CA39703383.